The following is an entry in ClinVar:

ClinVar aggregate classification (germline): Conflicting classifications of pathogenicity. Review status: criteria provided, conflicting classifications (1 of 4 stars). 2 submissions from 2 submitters: Uncertain significance (1); Likely benign (1). Last evaluated 2024-03-06.

Conditions:
Familial thoracic aortic aneurysm and aortic dissection (TAAD). Also called: Thoracic aortic aneurysms and dissections. Identifiers: Orphanet 91387, MedGen C4707243, MONDO:0019625.
Diabetic retinopathy. Identifiers: MedGen C0011884, MONDO:0005266.

Submissions (2):

Color Diagnostics, LLC DBA Color Health
Classification: Uncertain significance for Familial thoracic aortic aneurysm and aortic dissection. Last evaluated: 2024-03-06. Review status: criteria provided, single submitter. Criteria: ACMG Guidelines, 2015. Collection method: clinical testing. Allele origin: germline.
Comment: This missense variant replaces proline with threonine at codon 107 of the TGFBR2 protein. Computational prediction suggests that this variant may not impact protein structure and function (internally defined REVEL score threshold <= 0.5, PMID: 27666373). Splice site prediction tools suggest that this variant may not impact RNA splicing. To our knowledge, functional studies have not been performed for this variant. This variant has not been reported in individuals affected with cardiovascular disorders in the literature. This variant has not been identified in the general population by the Genome Aggregation Database (gnomAD). The available evidence is insufficient to determine the role of this variant in disease conclusively. Therefore, this variant is classified as a Variant of Uncertain Significance.

Clinical Genomics, Uppaluri K&H Personalized Medicine Clinic
Classification: Likely benign for Diabetic retinopathy. Review status: criteria provided, single submitter. Criteria: K And H Uppaluri Personalized Medicine Clinic Variant Classification And Assertion Criteria Updated V 2. Collection method: research. Allele origin: unknown.
Comment: Potent mutations in TGFBR2 gene encodes the transforming growth factor that have been associated with angiogenesis and diabetic retinopathy. More clinical studies are needed for stronger association. However, more evidence is required to confer the association of this particular variant rs1698856374 with diabetic retinopathy.

Literature cited by the submitters: PubMed 30222965 (cited by Clinical Genomics, Uppaluri K&H Personalized Medicine Clinic); PubMed 28162229 (cited by Clinical Genomics, Uppaluri K&H Personalized Medicine Clinic); PubMed 34572573 (cited by Clinical Genomics, Uppaluri K&H Personalized Medicine Clinic).

NM_003242.6(TGFBR2):c.319C>A (p.Pro107Thr)

Gene: TGFBR2 (transforming growth factor beta receptor 2; plus strand). Cytogenetic location: 3p24.1.
Variant type: single nucleotide variant.
Coding change: c.319C>A on transcript NM_003242.6 (MANE Select); coding-DNA position 319, C replaced by A.
Protein change: p.Pro107Thr; replaces proline 107 with threonine.
Molecular consequence: missense variant.
Genome position (GRCh38, 1-based): chr3:30,650,325, C>A. VCF-style: chr3-30650325-C-A. GRCh37 (hg19) VCF-style: chr3-30691817-C-A.
Other names: c.319C>A, p.Pro107Thr (NM_001407130.1, NM_001407127.1); c.214C>A, p.Pro72Thr (NM_001407132.1, NM_001407133.1, NM_001407134.1 and 3 more transcripts); c.394C>A, p.Pro132Thr (NM_001024847.3, NM_001407126.1, NM_001407139.1); c.346C>A, p.Pro116Thr (NM_001407128.1); short protein forms P107T, P132T, P116T, P72T.
Identifiers: ClinVar variation 920653 (VCV000920653.6), dbSNP rs1698856374, ClinGen allele CA351806819.